The following is an entry in ClinVar:

ClinVar aggregate classification (germline): Uncertain significance. Review status: criteria provided, multiple submitters, no conflicts (2 of 4 stars). 2 submissions from 2 submitters: Uncertain significance (2). Last evaluated 2026-05-06.

Conditions:
Autoimmune enteropathy and endocrinopathy - susceptibility to chronic infections syndrome. Also called: Immunodeficiency 31C; Immunodeficiency 31C, autosomal dominant. Identifiers: Orphanet 391487, MedGen C3279990, MONDO:0013599, OMIM 614162.
Immunodeficiency 31B. Also called: IMMUNODEFICIENCY 31B, MYCOBACTERIAL AND VIRAL INFECTIONS, AUTOSOMAL RECESSIVE; STAT1 DEFICIENCY, AUTOSOMAL RECESSIVE. Identifiers: Orphanet 391311, MedGen C3151088, MONDO:0013427, OMIM 613796.
Mendelian susceptibility to mycobacterial diseases due to partial STAT1 deficiency. Also called: IMMUNODEFICIENCY 31A, MYCOBACTERIOSIS, AUTOSOMAL DOMINANT; STAT1 DEFICIENCY, AUTOSOMAL DOMINANT; Immunodeficiency 31a. Identifiers: Orphanet 319595, MedGen C4013950, MONDO:0013956, OMIM 614892.

Allele frequency attached by ClinVar (database versions not stated): gnomAD exomes below 0.00001.
gnomAD v4.1: 1 of 1,614,216 alleles (0.000062%); highest among the groups gnomAD compares: Non-Finnish European, 0.000085%; no homozygotes.

Submissions (2):

GeneDx
Classification: Uncertain significance. Last evaluated: 2026-05-06. Review status: criteria provided, single submitter. Criteria: GeneDx Variant Classification Process June 2021. Collection method: clinical testing. Allele origin: germline.
Comment: Not observed at significant frequency in large population cohorts (gnomAD); In silico analysis suggests that this missense variant does not alter protein structure/function; Has not been previously published as pathogenic or benign to our knowledge

Labcorp Genetics (formerly Invitae), Labcorp
Classification: Uncertain significance for Mendelian susceptibility to mycobacterial diseases due to partial STAT1 deficiency; Immunodeficiency 31B; Autoimmune enteropathy and endocrinopathy - susceptibility to chronic infections syndrome. Last evaluated: 2022-12-26. Review status: criteria provided, single submitter. Criteria: Invitae Variant Classification Sherloc (09022015). Collection method: clinical testing. Allele origin: germline.
Comment: In summary, the available evidence is currently insufficient to determine the role of this variant in disease. Therefore, it has been classified as a Variant of Uncertain Significance. Algorithms developed to predict the effect of missense changes on protein structure and function are either unavailable or do not agree on the potential impact of this missense change (SIFT: "Tolerated"; PolyPhen-2: "Possibly Damaging"; Align-GVGD: "Class C0"). This variant has not been reported in the literature in individuals affected with STAT1-related conditions. This variant is not present in population databases (gnomAD no frequency). This sequence change replaces glutamic acid, which is acidic and polar, with lysine, which is basic and polar, at codon 500 of the STAT1 protein (p.Glu500Lys).

NM_007315.4(STAT1):c.1498G>A (p.Glu500Lys)

Gene: STAT1 (signal transducer and activator of transcription 1; minus strand). Cytogenetic location: 2q32.2.
Variant type: single nucleotide variant.
Coding change: c.1498G>A on transcript NM_007315.4 (MANE Select); coding-DNA position 1498, G replaced by A.
Protein change: p.Glu500Lys; replaces glutamic acid 500 with lysine.
Molecular consequence: missense variant.
Genome position (GRCh38, 1-based): chr2:190,982,467, C>T on the plus strand (G>A on the coding strand, the complement: STAT1 is on the minus strand). VCF-style: chr2-190982467-C-T. GRCh37 (hg19) VCF-style: chr2-191847193-C-T.
Other names: c.1438G>A, p.Glu480Lys (NM_001384880.1); c.1504G>A, p.Glu502Lys (NM_001384881.1, NM_001384884.1); c.1492G>A, p.Glu498Lys (NM_001384882.1); c.1399G>A, p.Glu467Lys (NM_001384883.1); c.1339G>A, p.Glu447Lys (NM_001384885.1); c.1498G>A, p.Glu500Lys (NM_001384886.1, NM_001384889.1, NM_139266.3); c.1405G>A, p.Glu469Lys (NM_001384887.1); c.1468G>A, p.Glu490Lys (NM_001384888.1); and 2 more; short protein forms E467K, E480K, E500K, E470K, E502K, E447K, E469K, E498K.
Identifiers: ClinVar variation 2942729 (VCV002942729.5), dbSNP rs2470442921, ClinGen allele CA349916763.